The following is an entry in ClinVar:

NM_130837.3(OPA1):c.448+1G>A

Gene: OPA1 (OPA1 mitochondrial dynamin like GTPase; plus strand). Cytogenetic location: 3q29.
Variant type: single nucleotide variant.
Coding change: c.448+1G>A on transcript NM_130837.3 (MANE Select); the canonical splice donor site of the intron after coding-DNA position 448, G replaced by A.
Molecular consequence: splice donor variant.
Genome position (GRCh38, 1-based): chr3:193,615,771, G>A. VCF-style: chr3-193615771-G-A. GRCh37 (hg19) VCF-style: chr3-193333560-G-A.
Other names: c.76+1G>A (NM_001354664.2, NM_001354663.2); c.448+1G>A (NM_130834.3, NM_130836.3, NM_015560.3 and 4 more transcripts).
Identifiers: ClinVar variation 2684282 (VCV002684282.1), dbSNP rs2474585323, ClinGen allele CA355787335.

ClinVar aggregate classification (germline): Pathogenic (1 of 4 stars; one submission).

Submission:

Athena Diagnostics
Classification: Pathogenic. Last evaluated: 2022-12-22. Review status: criteria provided, single submitter. Criteria: Athena Diagnostics Criteria. Collection method: clinical testing. Allele origin: unknown.
Comment: This variant is expected to severely impact normal RNA splicing, and consequently, protein structure and/or function. This variant has been identified in at least one individual with clinical features associated with this gene. This variant has not been reported in large, multi-ethnic general populations.